The following is an entry in ClinVar:

NM_000051.4(ATM):c.3422del (p.Pro1141fs)

Gene: ATM (ATM serine/threonine kinase; plus strand). Cytogenetic location: 11q22.3.
Variant type: Deletion.
Coding change: c.3422del on transcript NM_000051.4 (MANE Select); coding-DNA position 3422, one base deleted (C; older notation c.3422delC).
Protein change: p.Pro1141fs; shifts the reading frame from proline 1141.
Molecular consequence: frameshift variant.
Genome position (GRCh38, 1-based): chr11:108,281,014, C deleted; the last of 3 consecutive C bases (chr11:108,281,012-108,281,014); deleting any one gives the same sequence. VCF-style (leftmost placement, unchanged base first): chr11-108281011-AC-A. GRCh37 (hg19) VCF-style: chr11-108151738-AC-A.
Other names: c.3422del, p.Pro1141fs (NM_001351834.2); c.3422del (NM_000051.3); short protein forms P1141fs.
Identifiers: ClinVar variation 2029599 (VCV002029599.10), dbSNP rs2546869322, ClinGen allele CA2574970950.

ClinVar aggregate classification (germline): Pathogenic/Likely pathogenic. Review status: criteria provided, multiple submitters, no conflicts (2 of 4 stars). 6 submissions from 6 submitters: Pathogenic (4); Likely pathogenic (2). Last evaluated 2025-05-21.

Conditions:
Hereditary cancer-predisposing syndrome. Also called: Tumor predisposition; Hereditary neoplastic syndrome; Neoplastic Syndromes, Hereditary; Hereditary Cancer Syndrome. Identifiers: Orphanet 140162, MedGen C0027672, MeSH D009386, MONDO:0015356.
Familial cancer of breast. Also called: Hereditary breast cancer; hereditary breast carcinoma; BREAST CANCER, FAMILIAL. Identifiers: Orphanet 227535, MedGen C0346153, MONDO:0016419, OMIM 114480. Disease mechanism: loss of function.
Ataxia-telangiectasia syndrome (AT). Also called: Ataxia-telangiectasia, complementation group D; ATAXIA-TELANGIECTASIA, COMPLEMENTATION GROUP A; ATAXIA-TELANGIECTASIA, FRESNO VARIANT; Ataxia-telangiectasia; Ataxia telangiectasia (A-T); Cerebello-oculocutaneous telangiectasia. Identifiers: Orphanet 100, MedGen C0004135, MONDO:0008840, OMIM 208900.

Submissions (6):

Natera, Inc.
Classification: Likely pathogenic for Ataxia-telangiectasia. Last evaluated: 2025-05-21. Review status: criteria provided, single submitter. Criteria: Natera Variant Classification Schema (03/2026). Collection method: clinical testing. Allele origin: germline.
Comment: The c.3422del variant in ATM is a frameshift variant predicted to shift the reading frame beginning at codon 1141 and leads to a stop codon 15 codons downstream. This variant is expected to result in nonsense mediated decay, truncation, or a dysfunctional protein product. This variant is rare in the general population with a frequency below the threshold expected for the associated phenotype(s). Given the available evidence, this variant is classified as Likely Pathogenic.

Ambry Genetics
Classification: Pathogenic for Hereditary cancer-predisposing syndrome. Last evaluated: 2024-06-24. Review status: criteria provided, single submitter. Criteria: Ambry Variant Classification Scheme 2023. Collection method: clinical testing. Allele origin: germline.
Comment: The c.3422delC pathogenic mutation, located in coding exon 23 of the ATM gene, results from a deletion of one nucleotide at nucleotide position 3422, causing a translational frameshift with a predicted alternate stop codon (p.P1141Lfs*15). This variant is considered to be rare based on population cohorts in the Genome Aggregation Database (gnomAD). This alteration is expected to result in loss of function by premature protein truncation or nonsense-mediated mRNA decay. As such, this alteration is interpreted as a disease-causing mutation.

Labcorp Genetics (formerly Invitae), Labcorp
Classification: Pathogenic for Ataxia-telangiectasia syndrome. Last evaluated: 2024-05-15. Review status: criteria provided, single submitter. Criteria: Invitae Variant Classification Sherloc (09022015). Collection method: clinical testing. Allele origin: germline.
Comment: This sequence change creates a premature translational stop signal (p.Pro1141Leufs*15) in the ATM gene. It is expected to result in an absent or disrupted protein product. Loss-of-function variants in ATM are known to be pathogenic (PMID: 23807571, 25614872). This variant is not present in population databases (gnomAD no frequency). This variant has not been reported in the literature in individuals affected with ATM-related conditions. ClinVar contains an entry for this variant (Variation ID: 2029599). Algorithms developed to predict the effect of sequence changes on RNA splicing suggest that this variant may disrupt the consensus splice site. For these reasons, this variant has been classified as Pathogenic.

Baylor Genetics
Classification: Likely pathogenic for Familial cancer of breast. Last evaluated: 2024-03-26. Review status: criteria provided, single submitter. Criteria: ACMG Guidelines, 2015. Collection method: clinical testing. Allele origin: unknown.

St. Jude Molecular Pathology, St. Jude Children's Research Hospital
Classification: Pathogenic for Familial cancer of breast. Last evaluated: 2024-03-22. Review status: criteria provided, single submitter. Criteria: St. Jude Assertion Criteria 2020. Collection method: clinical testing. Allele origin: germline.
Comment: The ATM c.3422del (p.Pro1141LeufsTer15) change deletes one nucleotide to cause a frameshift and the creation of a premature stop codon. This change is predicted to cause protein truncation or absence of protein due to nonsense-mediated decay. This variant is also absent in gnomAD v2.1.1. In summary, this variant meets criteria to be classified as pathogenic.

Myriad Genetics, Inc.
Classification: Pathogenic for Familial cancer of breast. Last evaluated: 2024-01-22. Review status: criteria provided, single submitter. Criteria: Myriad Autosomal Dominant, Autosomal Recessive and X-Linked Classification Criteria (2023). Collection method: clinical testing. Allele origin: unknown.
Comment: This variant is considered pathogenic. This variant creates a frameshift predicted to result in premature protein truncation.

Literature cited by the submitters: PubMed 23807571 (cited by Labcorp Genetics (formerly Invitae), Labcorp); PubMed 25614872 (cited by Labcorp Genetics (formerly Invitae), Labcorp).